The following is an entry in ClinVar:

NM_000213.5(ITGB4):c.1434G>T (p.Gln478His)

Gene: ITGB4 (integrin subunit beta 4; plus strand). Cytogenetic location: 17q25.1.
Variant type: single nucleotide variant.
Coding change: c.1434G>T on transcript NM_000213.5 (MANE Select); coding-DNA position 1434, G replaced by T.
Protein change: p.Gln478His; replaces glutamine 478 with histidine.
Molecular consequence: missense variant.
Genome position (GRCh38, 1-based): chr17:75,732,219, G>T. VCF-style: chr17-75732219-G-T. GRCh37 (hg19) VCF-style: chr17-73728300-G-T.
Other names: c.1434G>T, p.Gln478His (NM_001005619.2, NM_001005731.3, NM_001321123.2); short protein forms Q478H.
Identifiers: ClinVar variation 325141 (VCV000325141.30), dbSNP rs8079267, ClinGen allele CA8769020.

ClinVar aggregate classification (germline): Benign/Likely benign. Review status: criteria provided, multiple submitters, no conflicts (2 of 4 stars). 6 submissions from 6 submitters: Benign (1); Likely benign (4). 1 of the submissions does not count toward it. Last evaluated 2026-01-29.

Conditions:
ITGB4-related disorder. Also called: ITGB4-related condition.
Junctional epidermolysis bullosa with pyloric atresia. Also called: Epidermolysis bullosa, junctional, with pyloric atresia and aplasia cutis congenita; Epidermolysis bullosa junctionalis with pyloric atresia; APLASIA CUTIS CONGENITA WITH GASTROINTESTINAL ATRESIA; CARMI SYNDROME; EB-PA-ACC; EPIDERMOLYSIS BULLOSA, JUNCTIONAL 5B, WITH PYLORIC ATRESIA. Identifiers: Orphanet 79403, MedGen C5676875, MONDO:0009183, OMIM 226730.

Allele frequency attached by ClinVar (database versions not stated): 1000 Genomes Project 30x 0.00109; 1000 Genomes Project 0.00120; TOPMed 0.00215; gnomAD 0.00222 and 0.00227; ExAC 0.00228; gnomAD exomes 0.00237 and 0.00386; ESP Exome Variant Server 0.00315.
gnomAD v4.1: 5,890 of 1,614,088 alleles (0.36%); highest among the groups gnomAD compares: Middle Eastern, 0.54%; 24 homozygotes.

Submissions (6):

Labcorp Genetics (formerly Invitae), Labcorp
Classification: Benign. Last evaluated: 2026-01-29. Review status: criteria provided, single submitter. Criteria: Invitae Variant Classification Sherloc (09022015). Collection method: clinical testing. Allele origin: germline.

CeGaT Center for Human Genetics Tuebingen
Classification: Likely benign. Last evaluated: 2025-07-01. Review status: criteria provided, single submitter. Criteria: CeGaT Center For Human Genetics Tuebingen Variant Classification Criteria Version 2. Collection method: clinical testing. Allele origin: germline. Affected: yes. Observed: 2 variant alleles.
Comment: ITGB4: BP4, BS2

GeneDx
Classification: Likely benign. Last evaluated: 2021-05-12. Review status: criteria provided, single submitter. Criteria: GeneDx Variant Classification Process June 2021. Collection method: clinical testing. Allele origin: germline. Affected: yes.

Illumina Laboratory Services, Illumina
Classification: Likely benign for Junctional epidermolysis bullosa with pyloric atresia. Last evaluated: 2018-01-12. Review status: criteria provided, single submitter. Criteria: ICSL Variant Classification Criteria 13 December 2019. Collection method: clinical testing. Allele origin: germline.
Comment: This variant was observed in the ICSL laboratory as part of a predisposition screen in an ostensibly healthy population. It had not been previously curated by ICSL or reported in the Human Gene Mutation Database (HGMD: prior to June 1st, 2018), and was therefore a candidate for classification through an automated scoring system. Utilizing variant allele frequency, disease prevalence and penetrance estimates, and inheritance mode, an automated score was calculated to assess if this variant is too frequent to cause the disease. Based on the score and internal cut-off values, a variant classified as likely benign is not then subjected to further curation. The score for this variant resulted in a classification of likely benign for this disease.

Breakthrough Genomics
Classification: Likely benign. Review status: criteria provided, single submitter. Criteria: ACMG Guidelines, 2015. Collection method: not provided. Allele origin: germline. Inheritance: Autosomal recessive inheritance. Affected: yes.

PreventionGenetics, part of Exact Sciences
Classification: Likely benign for ITGB4-related condition. Last evaluated: 2019-05-10. Review status: no assertion criteria provided. Collection method: clinical testing. Allele origin: germline. Not counted in ClinVar's aggregate classification.
Comment: This variant is classified as likely benign based on ACMG/AMP sequence variant interpretation guidelines (Richards et al. 2015 PMID: 25741868, with internal and published modifications).